The following is an entry in ClinVar:

NM_001267550.2(TTN):c.39477C>T (p.Pro13159=)

Gene: TTN (titin; minus strand). Cytogenetic location: 2q31.2.
Variant type: single nucleotide variant.
Coding change: c.39477C>T on transcript NM_001267550.2 (MANE Select); coding-DNA position 39477, C replaced by T.
Protein change: p.Pro13159=; no amino-acid change (proline 13159 retained).
Molecular consequence: synonymous variant. On other transcripts: intron variant (3).
Genome position (GRCh38, 1-based): chr2:178,651,523, G>A on the plus strand (C>T on the coding strand, the complement: TTN is on the minus strand). VCF-style: chr2-178651523-G-A. GRCh37 (hg19) VCF-style: chr2-179516250-G-A.
Other names: c.32175C>T, p.Pro10725= (NM_133378.4); c.34956C>T, p.Pro11652= (NM_001256850.1); c.13283-9206C>T (NM_003319.4); c.13859-9206C>T (NM_133437.4); c.13658-9206C>T (NM_133432.3).
Identifiers: ClinVar variation 46926 (VCV000046926.5), dbSNP rs397517557, ClinGen allele CA139539.

ClinVar aggregate classification (germline): Likely benign (1 of 4 stars; one submission).

Allele frequency attached by ClinVar (database versions not stated): gnomAD exomes below 0.00001.
gnomAD v4.1: 1 of 1,612,400 alleles (0.000062%); highest among the groups gnomAD compares: Non-Finnish European, 0.000085%; no homozygotes.

Submission:

Laboratory for Molecular Medicine, Mass General Brigham Personalized Medicine
Classification: Likely benign. Last evaluated: 2012-12-21. Review status: criteria provided, single submitter. Criteria: LMM Criteria. Collection method: clinical testing. Allele origin: germline. Observed: 1 variant allele.
Comment: Pro10725Pro in exon 161 of TTN: This variant is not expected to have clinical si gnificance because it does not alter an amino acid residue and is not located wi thin the splice consensus sequence. Pro10725Pro in exon 161 of TTN (allele freq uency = n/a)